The following is an entry in ClinVar:

NM_001267550.2(TTN):c.99065C>T (p.Pro33022Leu)

Genes: TTN (titin; minus strand), TTN-AS1 (TTN antisense RNA 1; plus strand). Cytogenetic location: 2q31.2.
Variant type: single nucleotide variant.
Coding change: c.99065C>T on transcript NM_001267550.2 (MANE Select); coding-DNA position 99065, C replaced by T.
Protein change: p.Pro33022Leu; replaces proline 33022 with leucine.
Molecular consequence: missense variant. On other transcripts: non-coding transcript variant (1).
Genome position (GRCh38, 1-based): chr2:178,538,764, G>A on the plus strand (C>T on the coding strand, the complement: TTN is on the minus strand). VCF-style: chr2-178538764-G-A. GRCh37 (hg19) VCF-style: chr2-179403491-G-A.
Other names: c.94142C>T, p.Pro31381Leu (NM_001256850.1); c.71870C>T, p.Pro23957Leu (NM_003319.4); c.91361C>T, p.Pro30454Leu (NM_133378.4); c.72245C>T, p.Pro24082Leu (NM_133432.3); c.72446C>T, p.Pro24149Leu (NM_133437.4); short protein forms P23957L, P24082L, P24149L, P30454L, P31381L, P33022L.
Identifiers: ClinVar variation 3602232 (VCV003602232.1).

ClinVar aggregate classification (germline): Uncertain significance (1 of 4 stars; one submission).

gnomAD v4.1: 10 of 1,613,468 alleles (0.00062%); highest among the groups gnomAD compares: Non-Finnish European, 0.00085%; no homozygotes.

Submission:

GeneDx
Classification: Uncertain significance. Last evaluated: 2024-07-30. Review status: criteria provided, single submitter. Criteria: GeneDx Variant Classification Process June 2021. Collection method: clinical testing. Allele origin: germline. Affected: yes.
Comment: Not observed at significant frequency in large population cohorts (gnomAD); Missense variant in a gene in which most reported pathogenic variants are truncating/loss of function; Has not been previously published as pathogenic or benign to our knowledge